The following is an entry in ClinVar:

ClinVar aggregate classification (germline): Uncertain significance. Review status: criteria provided, multiple submitters, no conflicts (2 of 4 stars). 2 submissions from 2 submitters: Uncertain significance (2). Last evaluated 2023-08-04.

Conditions:
Saldino-Mainzer syndrome (SRTD9). Also called: Renal dysplasia, retinal pigmentary dystrophy, cerebellar ataxia and skeletal dysplasia; short-rib thoracic dysplasia 9 with or without polydactyly; CONORENAL SYNDROME; SHORT-RIB THORACIC DYSPLASIA 9 WITHOUT POLYDACTYLY. Identifiers: Orphanet 140969, MedGen C1849437, MONDO:0009964, OMIM 266920.

Allele frequency attached by ClinVar (database versions not stated): gnomAD exomes 0.00001; ExAC 0.00002.
gnomAD v4.1: 9 of 1,614,040 alleles (0.00056%); highest among the groups gnomAD compares: South Asian, 0.0066%; no homozygotes.

Submissions (2):

Labcorp Genetics (formerly Invitae), Labcorp
Classification: Uncertain significance for Saldino-Mainzer syndrome. Last evaluated: 2023-08-04. Review status: criteria provided, single submitter. Criteria: Invitae Variant Classification Sherloc (09022015). Collection method: clinical testing. Allele origin: germline.
Comment: This variant has not been reported in the literature in individuals affected with IFT140-related conditions. ClinVar contains an entry for this variant (Variation ID: 2021720). Advanced modeling of protein sequence and biophysical properties (such as structural, functional, and spatial information, amino acid conservation, physicochemical variation, residue mobility, and thermodynamic stability) performed at Invitae indicates that this missense variant is not expected to disrupt IFT140 protein function. In summary, the available evidence is currently insufficient to determine the role of this variant in disease. Therefore, it has been classified as a Variant of Uncertain Significance. This variant is present in population databases (rs774887102, gnomAD 0.01%). This sequence change replaces threonine, which is neutral and polar, with alanine, which is neutral and non-polar, at codon 496 of the IFT140 protein (p.Thr496Ala).

Blueprint Genetics
Classification: Uncertain significance. Last evaluated: 2018-08-26. Review status: criteria provided, single submitter. Criteria: ACMG Guidelines, 2015. Collection method: clinical testing. Allele origin: germline.

NM_014714.4(IFT140):c.1486A>G (p.Thr496Ala)

Genes: IFT140 (intraflagellar transport 140; minus strand), LOC105371046 (uncharacterized LOC105371046; plus strand). Cytogenetic location: 16p13.3.
Variant type: single nucleotide variant.
Coding change: c.1486A>G on transcript NM_014714.4 (MANE Select); coding-DNA position 1486, A replaced by G.
Protein change: p.Thr496Ala; replaces threonine 496 with alanine.
Molecular consequence: missense variant.
Genome position (GRCh38, 1-based): chr16:1,580,797, T>C on the plus strand (A>G on the coding strand, the complement: IFT140 is on the minus strand). VCF-style: chr16-1580797-T-C. GRCh37 (hg19) VCF-style: chr16-1630798-T-C.
Other names: short protein forms T496A.
Identifiers: ClinVar variation 2021720 (VCV002021720.5), dbSNP rs774887102, ClinGen allele CA7814268.